The following is an entry in ClinVar:

NM_000038.6(APC):c.7022A>G (p.Lys2341Arg)

Gene: APC (APC regulator of Wnt signaling pathway; plus strand). Cytogenetic location: 5q22.2.
Variant type: single nucleotide variant.
Coding change: c.7022A>G on transcript NM_000038.6 (MANE Select); coding-DNA position 7022, A replaced by G.
Protein change: p.Lys2341Arg; replaces lysine 2341 with arginine.
Molecular consequence: missense variant.
Genome position (GRCh38, 1-based): chr5:112,842,616, A>G. VCF-style: chr5-112842616-A-G. GRCh37 (hg19) VCF-style: chr5-112178313-A-G.
Other names: c.7022A>G, p.Lys2341Arg (NM_001127510.3, NM_001354895.2); c.6968A>G, p.Lys2323Arg (NM_001127511.3); c.7076A>G, p.Lys2359Arg (NM_001354896.2); c.7052A>G, p.Lys2351Arg (NM_001354897.2); c.6947A>G, p.Lys2316Arg (NM_001354898.2); c.6938A>G, p.Lys2313Arg (NM_001354899.2); c.6899A>G, p.Lys2300Arg (NM_001354900.2); c.6845A>G, p.Lys2282Arg (NM_001354901.2); and 5 more; short protein forms K2323R, K2341R, K2215R, K2250R, K2313R, K2300R, K2316R, K2058R.
Identifiers: ClinVar variation 482350 (VCV000482350.14), dbSNP rs760649454, ClinGen allele CA046686.

ClinVar aggregate classification (germline): Uncertain significance. Review status: criteria provided, multiple submitters, no conflicts (2 of 4 stars). 2 submissions from 2 submitters: Uncertain significance (2). Last evaluated 2025-06-27.

Conditions:
Hereditary cancer-predisposing syndrome. Also called: Neoplastic Syndromes, Hereditary; Tumor predisposition; Hereditary Cancer Syndrome; Hereditary neoplastic syndrome. Identifiers: Orphanet 140162, MedGen C0027672, MeSH D009386, MONDO:0015356.
Familial adenomatous polyposis 1 (FAP1). Also called: FAMILIAL ADENOMATOUS POLYPOSIS 1, ATTENUATED; POLYPOSIS, ADENOMATOUS INTESTINAL. Identifiers: MedGen C2713442, MONDO:0021056, OMIM 175100. Disease mechanism: loss of function.

Allele frequency attached by ClinVar (database versions not stated): gnomAD exomes below 0.00001; ExAC 0.00001.
gnomAD v4.1: 1 of 1,613,936 alleles (0.000062%); highest among the groups gnomAD compares: Non-Finnish European, 0.000085%; no homozygotes.

Submissions (2):

Labcorp Genetics (formerly Invitae), Labcorp
Classification: Uncertain significance for Familial adenomatous polyposis 1. Last evaluated: 2025-06-27. Review status: criteria provided, single submitter. Criteria: Invitae Variant Classification Sherloc (09022015). Collection method: clinical testing. Allele origin: germline.
Comment: This sequence change replaces lysine, which is basic and polar, with arginine, which is basic and polar, at codon 2341 of the APC protein (p.Lys2341Arg). This variant is present in population databases (rs760649454, gnomAD 0.0009%). This variant has not been reported in the literature in individuals affected with APC-related conditions. ClinVar contains an entry for this variant (Variation ID: 482350). Invitae Evidence Modeling of protein sequence and biophysical properties (such as structural, functional, and spatial information, amino acid conservation, physicochemical variation, residue mobility, and thermodynamic stability) indicates that this missense variant is not expected to disrupt APC protein function with a negative predictive value of 95%. In summary, the available evidence is currently insufficient to determine the role of this variant in disease. Therefore, it has been classified as a Variant of Uncertain Significance.

Ambry Genetics
Classification: Uncertain significance for Hereditary cancer-predisposing syndrome. Last evaluated: 2016-04-27. Review status: criteria provided, single submitter. Criteria: Ambry Variant Classification Scheme 2023. Collection method: clinical testing. Allele origin: germline.
Comment: The p.K2341R variant (also known as c.7022A>G), located in coding exon 15 of the APC gene, results from an A to G substitution at nucleotide position 7022. The lysine at codon 2341 is replaced by arginine, an amino acid with highly similar properties. This variant was not reported in population based cohorts in the following databases: Database of Single Nucleotide Polymorphisms (dbSNP), NHLBI Exome Sequencing Project (ESP), and 1000 Genomes Project. In the ESP, this variant was not observed in 6501 samples (13002 alleles) with coverage at this position. To date, this alteration has been detected with an allele frequency of approximately 0.001% (greater than 70000 alleles tested) in our clinical cohort. This amino acid position is well conserved in available vertebrate species. In addition, in silico predictors for this gene do not accurately predict pathogenicity. Since supporting evidence is limited at this time, the clinical significance of this alteration remains unclear.